The following is an entry in ClinVar:

NM_001077653.2(TBX20):c.461C>T (p.Pro154Leu)

Gene: TBX20 (T-box transcription factor 20; minus strand). Cytogenetic location: 7p14.2.
Variant type: single nucleotide variant.
Coding change: c.461C>T on transcript NM_001077653.2 (MANE Select); coding-DNA position 461, C replaced by T.
Protein change: p.Pro154Leu; replaces proline 154 with leucine.
Molecular consequence: missense variant.
Genome position (GRCh38, 1-based): chr7:35,248,761, G>A on the plus strand (C>T on the coding strand, the complement: TBX20 is on the minus strand). VCF-style: chr7-35248761-G-A. GRCh37 (hg19) VCF-style: chr7-35288373-G-A.
Other names: c.461C>T, p.Pro154Leu (NM_001166220.1); short protein forms P154L.
Identifiers: ClinVar variation 1741945 (VCV001741945.2), dbSNP rs112862467, ClinGen allele CA367264692.

ClinVar aggregate classification (germline): Uncertain significance (1 of 4 stars; one submission).

Conditions:
Cardiovascular phenotype. Identifiers: MedGen CN230736.

Allele frequency attached by ClinVar (database versions not stated): gnomAD 0.00001.
gnomAD v4.1: 2 of 1,614,080 alleles (0.00012%); highest among the groups gnomAD compares: African/African-American, 0.0013%; no homozygotes.

Submission:

Ambry Genetics
Classification: Uncertain significance for Cardiovascular phenotype. Last evaluated: 2022-05-23. Review status: criteria provided, single submitter. Criteria: Ambry Variant Classification Scheme 2023. Collection method: clinical testing. Allele origin: germline.
Comment: The p.P154L variant (also known as c.461C>T), located in coding exon 3 of the TBX20 gene, results from a C to T substitution at nucleotide position 461. The proline at codon 154 is replaced by leucine, an amino acid with similar properties. This amino acid position is conserved. In addition, this alteration is predicted to be deleterious by in silico analysis. Since supporting evidence is limited at this time, the clinical significance of this alteration remains unclear.